The following is an entry in ClinVar:

GRCh38/hg38 17q21.31(chr17:46130519-46661960)x1

Genes: ARL17A (ADP ribosylation factor like GTPase 17A; minus strand), ARL17B (ADP ribosylation factor like GTPase 17B; minus strand), FAM215B (family with sequence similarity 215 member B; minus strand), KANSL1 (KAT8 regulatory NSL complex subunit 1), KANSL1-AS1 (KANSL1 antisense RNA 1) and 6 more. Cytogenetic location: 17q21.31.
Variant type: copy number loss.
Change: copy number 1 (one copy instead of two) of chr17:46,130,519-46,661,960 (531.4 kb, GRCh38 coordinates, 1-based), cytogenetic band 17q21.31.
Identifiers: ClinVar variation 146760 (VCV000146760.2).

ClinVar aggregate classification (germline): Benign/Likely benign (0 of 4 stars; one submission).

Submission:

ISCA site 4
Classification: Benign/Likely benign. Last evaluated: 2012-09-21. Review status: no assertion criteria provided. Collection method: clinical testing. Allele origin: unknown. Affected: yes. Observed: 8 variant alleles. Clinical features observed: Abnormality of the nervous system (HP:0000707), Developmental delay AND/OR other significant developmental or morphological phenotypes.
Comment: Likely benign (5), Benign (3)

Copy number variation identified through the course of routine clinical cytogenomic testing in postnatal populations, with clinical assertions as classified by the original submitter.